The following is an entry in ClinVar:

NM_001267550.2(TTN):c.106442A>G (p.Lys35481Arg)

Genes: TTN (titin; minus strand), TTN-AS1 (TTN antisense RNA 1; plus strand). Cytogenetic location: 2q31.2.
Variant type: single nucleotide variant.
Coding change: c.106442A>G on transcript NM_001267550.2 (MANE Select); coding-DNA position 106442, A replaced by G.
Protein change: p.Lys35481Arg; replaces lysine 35481 with arginine.
Molecular consequence: missense variant.
Genome position (GRCh38, 1-based): chr2:178,530,049, T>C on the plus strand (A>G on the coding strand, the complement: TTN is on the minus strand). VCF-style: chr2-178530049-T-C. GRCh37 (hg19) VCF-style: chr2-179394776-T-C.
Other names: c.101519A>G, p.Lys33840Arg (NM_001256850.1); c.79247A>G, p.Lys26416Arg (NM_003319.4); c.98738A>G, p.Lys32913Arg (NM_133378.4); c.79622A>G, p.Lys26541Arg (NM_133432.3); c.79823A>G, p.Lys26608Arg (NM_133437.4); short protein forms K32913R, K35481R, K26416R, K26608R, K26541R, K33840R.
Identifiers: ClinVar variation 284002 (VCV000284002.24), dbSNP rs200716018, ClinGen allele CA1985103.

ClinVar aggregate classification (germline): Conflicting classifications of pathogenicity. Review status: criteria provided, conflicting classifications (1 of 4 stars). 14 submissions from 10 submitters: Uncertain significance (11); Benign (2); Likely benign (1). Last evaluated 2026-04-06.

Conditions:
Early-onset myopathy with fatal cardiomyopathy (CMYO5). Also called: Salih Myopathy; CONGENITAL MYOPATHY 5 WITH CARDIOMYOPATHY. Identifiers: Orphanet 289377, MedGen C2673677, MONDO:0012714, OMIM 611705. Disease mechanism: loss of function.
Myopathy, myofibrillar, 9, with early respiratory failure (MFM9). Also called: Hereditary myopathy with early respiratory failure; MYOPATHY, PROXIMAL, WITH EARLY RESPIRATORY MUSCLE INVOLVEMENT; EDSTROM MYOPATHY; Myopathy, distal, with early respiratory failure, autosomal dominant. Identifiers: Orphanet 178464, Orphanet 34521, MedGen C1863599, MONDO:0011362, OMIM 603689.
Cardiovascular phenotype. Identifiers: MedGen CN230736.
Cardiomyopathy (CMYO). Also called: Cardiomyopathies. Identifiers: Orphanet 167848, MedGen C0878544, MONDO:0004994, HP:0001638. Inheritance: Various modes of inheritance.
Autosomal recessive limb-girdle muscular dystrophy type 2J (LGMDR10). Also called: Limb-girdle muscular dystrophy, type 2J; MUSCULAR DYSTROPHY, LIMB-GIRDLE, AUTOSOMAL RECESSIVE 10. Identifiers: Orphanet 140922, MedGen C1837342, MONDO:0012127, OMIM 608807.
TTN-related disorder. Also called: TTN-related condition; TTN-related disease; TTN-related disorders.
Dilated cardiomyopathy 1G (CMD1G). Identifiers: Orphanet 154, MedGen C1858763, MONDO:0011400, OMIM 604145.
Tibial muscular dystrophy (TMD). Also called: UDD MYOPATHY; Tibial muscular dystrophy, tardive; Udd Distal Myopathy – Tibial Muscular Dystrophy. Identifiers: Orphanet 609, MedGen C1838244, MONDO:0010870, OMIM 600334.

Allele frequency attached by ClinVar (database versions not stated): gnomAD 0.00011; gnomAD exomes 0.00016 and 0.00004; ESP Exome Variant Server 0.00017; ExAC 0.00002; TOPMed 0.00009.
gnomAD v4.1: 259 of 1,611,666 alleles (0.016%); highest among the groups gnomAD compares: Non-Finnish European, 0.02%; no homozygotes.

Submissions (14):

Women's Health and Genetics/Laboratory Corporation of America, LabCorp
Classification: Uncertain significance. Last evaluated: 2026-04-06. Review status: criteria provided, single submitter. Criteria: LabCorp Variant Classification Summary - May 2015. Collection method: clinical testing. Allele origin: germline.
Comment: Variant summary: TTN c.98738A>G (p.Lys32913Arg) results in a conservative amino acid change in the encoded protein sequence. Algorithms developed to predict the effect of missense changes on protein structure and function are either unavailable or do not agree on the potential impact of this missense change. The variant allele was found at a frequency of 0.00016 in 1611666 control chromosomes, predominantly at a frequency of 0.00034 within the African or African-American subpopulation in the gnomAD database. This frequency is not significantly higher than estimated for disease-causing variants in TTN, allowing no conclusion about variant significance. c.98738A>G has been observed in the presumed heterozygous state in at least 1 individual(s) affected with Dilated Cardiomyopathy (example, Mazzarotto_2020) without strong evidence for causality. These report(s) do not provide unequivocal conclusions about association of the variant with TTN-related conditions. To our knowledge, no experimental evidence demonstrating an impact on protein function has been reported. The following publication has been ascertained in the context of this evaluation (PMID: 31983221). ClinVar contains an entry for this variant (Variation ID: 284002). Based on the evidence outlined above, the variant was classified as uncertain significance.

PreventionGenetics, part of Exact Sciences
Classification: Uncertain significance for TTN-related condition. Last evaluated: 2025-05-22. Review status: criteria provided, single submitter. Criteria: ACMG Guidelines, 2015. Collection method: clinical testing. Allele origin: germline.
Comment: The TTN c.106442A>G variant is predicted to result in the amino acid substitution p.Lys35481Arg. This variant was reported in an individual with dilated cardiomyopathy (Table S3, Mazzarotto et al. 2020. PubMed ID: 31983221). This variant is reported in 0.0083% of alleles in individuals of African descent in gnomAD. Although we suspect that this variant may be benign, at this time, the clinical significance of this variant is uncertain due to the absence of conclusive functional and genetic evidence.

Revvity Omics, Revvity
Classification: Uncertain significance. Last evaluated: 2024-03-06. Review status: criteria provided, single submitter. Criteria: ACMG Guidelines, 2015. Collection method: clinical testing. Allele origin: germline.

ARUP Laboratories, Molecular Genetics and Genomics, ARUP Laboratories
Classification: Uncertain significance. Last evaluated: 2023-12-14. Review status: criteria provided, single submitter. Criteria: ARUP Molecular Germline Variant Investigation Process 2024. Collection method: clinical testing. Allele origin: germline.
Comment: The TTN c.106442A>G; p.Lys35481Arg variant (rs200716018; ClinVar Variation ID: 284002) is rare in the general population (<0.2% allele frequency in the Genome Aggregation Database) and has been reported in one individual with dilated cardiomyopathy (Mazzarotto 2020). The clinical relevance of rare missense variants in this gene, which are identified on average once per individual sequenced in affected populations (Herman 2012), is not well understood. Yet, evidence suggests that the vast majority of such missense variants do not contribute to the clinical outcome of DCM (Begay 2015). Thus, the clinical significance of the p.Lys35481Arg variant cannot be determined with certainty. References: Begay RL et al. Role of Titin Missense Variants in Dilated Cardiomyopathy. J Am Heart Assoc. 2015 Nov 13;4(11). PMID: 26567375. Herman DS et al. Truncations of titin causing dilated cardiomyopathy. N Engl J Med. 2012 Feb 16;366(7):619-28. PMID: 22335739. Linke WA and Hamdani N. Gigantic business: titin properties and function through thick and thin. Circ Res 2014; 114(6): 1052-1068. PMID: 24625729. Mazzarotto F et al. Reevaluating the Genetic Contribution of Monogenic Dilated Cardiomyopathy. Circulation. 2020 Feb 4;141(5):387-398. PMID: 31983221.

GeneDx
Classification: Likely benign. Last evaluated: 2021-05-03. Review status: criteria provided, single submitter. Criteria: GeneDx Variant Classification Process June 2021. Collection method: clinical testing. Allele origin: germline. Affected: yes.
Comment: This variant is associated with the following publications: (PMID: 31983221)

CHEO Genetics Diagnostic Laboratory, Children's Hospital of Eastern Ontario
Classification: Uncertain significance for Cardiomyopathy. Last evaluated: 2020-12-07. Review status: criteria provided, single submitter. Criteria: ACMG Guidelines, 2015. Collection method: clinical testing. Allele origin: germline.

Illumina Laboratory Services, Illumina
Classification: Uncertain significance for Dilated cardiomyopathy 1G. Last evaluated: 2018-05-17. Review status: criteria provided, single submitter. Criteria: ICSL Variant Classification Criteria 13 December 2019. Collection method: clinical testing. Allele origin: germline.

Illumina Laboratory Services, Illumina
Classification: Uncertain significance for Early-onset myopathy with fatal cardiomyopathy. Last evaluated: 2018-05-17. Review status: criteria provided, single submitter. Criteria: ICSL Variant Classification Criteria 13 December 2019. Collection method: clinical testing. Allele origin: germline.

Illumina Laboratory Services, Illumina
Classification: Uncertain significance for Autosomal recessive limb-girdle muscular dystrophy type 2J. Last evaluated: 2018-05-17. Review status: criteria provided, single submitter. Criteria: ICSL Variant Classification Criteria 13 December 2019. Collection method: clinical testing. Allele origin: germline.

Ambry Genetics
Classification: Uncertain significance for Cardiovascular phenotype. Last evaluated: 2018-05-16. Review status: criteria provided, single submitter. Criteria: Ambry Variant Classification Scheme 2023. Collection method: clinical testing. Allele origin: germline.
Comment: The p.K26416R variant (also known as c.79247A>G), located in coding exon 186 of the TTN gene, results from an A to G substitution at nucleotide position 79247. The lysine at codon 26416 is replaced by arginine, an amino acid with highly similar properties. This amino acid position is not well conserved in available vertebrate species. In addition, this alteration is predicted to be benign by PolyPhen in silico analysis. Since supporting evidence is limited at this time, the clinical significance of this alteration remains unclear.

Illumina Laboratory Services, Illumina
Classification: Benign for Myopathy, myofibrillar, 9, with early respiratory failure. Last evaluated: 2018-05-16. Review status: criteria provided, single submitter. Criteria: ICSL Variant Classification Criteria 13 December 2019. Collection method: clinical testing. Allele origin: germline.
Comment: This variant was observed in the ICSL laboratory as part of a predisposition screen in an ostensibly healthy population. It had not been previously curated by ICSL or reported in the Human Gene Mutation Database (HGMD: prior to June 1st, 2018), and was therefore a candidate for classification through an automated scoring system. Utilizing variant allele frequency, disease prevalence and penetrance estimates, and inheritance mode, an automated score was calculated to assess if this variant is too frequent to cause the disease. Based on the score and internal cut-off values, a variant classified as benign is not then subjected to further curation. The score for this variant resulted in a classification of benign for this disease.

Illumina Laboratory Services, Illumina
Classification: Benign for Tibial muscular dystrophy. Last evaluated: 2018-05-16. Review status: criteria provided, single submitter. Criteria: ICSL Variant Classification Criteria 13 December 2019. Collection method: clinical testing. Allele origin: germline.
Comment: the same text as in the submission from Illumina Laboratory Services, Illumina above.

Labcorp Genetics (formerly Invitae), Labcorp
Classification: Uncertain significance for Dilated cardiomyopathy 1G; Autosomal recessive limb-girdle muscular dystrophy type 2J. Last evaluated: 2017-08-22. Review status: criteria provided, single submitter. Criteria: Invitae Variant Classification Sherloc (09022015). Collection method: clinical testing. Allele origin: germline.

Eurofins Ntd Llc (ga)
Classification: Uncertain significance. Last evaluated: 2017-01-11. Review status: criteria provided, single submitter. Criteria: EGL Classification Definitions 2015. Collection method: clinical testing. Allele origin: germline. Observed: 3 variant alleles, 3 heterozygotes.

Literature cited by the submitters: PubMed 31983221 (cited by Women's Health and Genetics/Laboratory Corporation of America, LabCorp).